The following is an entry in ClinVar:

ClinVar aggregate classification (germline): Conflicting classifications of pathogenicity. Review status: criteria provided, conflicting classifications (1 of 4 stars). 3 submissions from 3 submitters: Uncertain significance (2); Likely benign (1). Last evaluated 2025-11-03.

Conditions:
Neuronopathy, distal hereditary motor, type 2C. Also called: NEUROPATHY, DISTAL HEREDITARY MOTOR, AUTOSOMAL DOMINANT 4; NEURONOPATHY, DISTAL HEREDITARY MOTOR, HARDING TYPE IIC; NEUROPATHY, DISTAL HEREDITARY MOTOR, HARDING TYPE IIC; HMN IIC. Identifiers: Orphanet 139525, MedGen C3150619, MONDO:0013243, OMIM 613376.

Allele frequency attached by ClinVar (database versions not stated): gnomAD 0.00001; gnomAD exomes 0.00001 and 0.00002; TOPMed 0.00001; ExAC 0.00002; ESP Exome Variant Server 0.00008.

Submissions (3):

Labcorp Genetics (formerly Invitae), Labcorp
Classification: Uncertain significance for Neuronopathy, distal hereditary motor, type 2C. Last evaluated: 2025-11-03. Review status: criteria provided, single submitter. Criteria: Invitae Variant Classification Sherloc (09022015). Collection method: clinical testing. Allele origin: germline.
Comment: This sequence change replaces arginine, which is basic and polar, with cysteine, which is neutral and slightly polar, at codon 15 of the HSPB3 protein (p.Arg15Cys). This variant is present in population databases (rs146055360, gnomAD 0.002%). This variant has not been reported in the literature in individuals affected with HSPB3-related conditions. ClinVar contains an entry for this variant (Variation ID: 1162971). An algorithm developed to predict the effect of missense changes on protein structure and function (PolyPhen-2) suggests that this variant is likely to be disruptive. In summary, the available evidence is currently insufficient to determine the role of this variant in disease. Therefore, it has been classified as a Variant of Uncertain Significance.

Mayo Clinic Laboratories, Mayo Clinic
Classification: Uncertain significance. Last evaluated: 2021-01-04. Review status: criteria provided, single submitter. Criteria: ACMG Guidelines, 2015. Collection method: clinical testing. Allele origin: germline. Observed: 1 variant allele.

Blueprint Genetics
Classification: Likely benign. Last evaluated: 2019-08-14. Review status: criteria provided, single submitter. Criteria: ACMG Guidelines, 2015. Collection method: clinical testing. Allele origin: germline.

NM_006308.3(HSPB3):c.43C>T (p.Arg15Cys)

Gene: HSPB3 (heat shock protein family B (small) member 3; plus strand). Cytogenetic location: 5q11.2.
Variant type: single nucleotide variant.
Coding change: c.43C>T on transcript NM_006308.3 (MANE Select); coding-DNA position 43, C replaced by T.
Protein change: p.Arg15Cys; replaces arginine 15 with cysteine.
Molecular consequence: missense variant.
Genome position (GRCh38, 1-based): chr5:54,455,832, C>T. VCF-style: chr5-54455832-C-T. GRCh37 (hg19) VCF-style: chr5-53751662-C-T.
Other names: short protein forms R15C.
Identifiers: ClinVar variation 1162971 (VCV001162971.7), dbSNP rs146055360, ClinGen allele CA3264595.